The following is an entry in ClinVar:

NM_000219.6(KCNE1):c.147G>A (p.Met49Ile)

Gene: KCNE1 (potassium voltage-gated channel subfamily E regulatory subunit 1; minus strand). Cytogenetic location: 21q22.12.
Variant type: single nucleotide variant.
Coding change: c.147G>A on transcript NM_000219.6 (MANE Select); coding-DNA position 147, G replaced by A.
Protein change: p.Met49Ile; replaces methionine 49 with isoleucine.
Molecular consequence: missense variant.
Genome position (GRCh38, 1-based): chr21:34,449,488, C>T on the plus strand (G>A on the coding strand, the complement: KCNE1 is on the minus strand). VCF-style: chr21-34449488-C-T. GRCh37 (hg19) VCF-style: chr21-35821786-C-T.
Other names: c.147G>A, p.Met49Ile (NM_001127668.4, NM_001127669.4, NM_001127670.4 and 4 more transcripts); short protein forms M49I.
Identifiers: ClinVar variation 2736986 (VCV002736986.4), dbSNP rs773365460, ClinGen allele CA320425417.
Genomic context (GRCh38, chr21:34,449,488, plus strand): 5'-CTTGGAGCGGATGTAGCTCAGCATGATGCCCAGGGTGAAGAAGCCGAAGAATCCCAGTAC[C>T]ATGAGGACGTAGAGGGCCTCCAGCTTGCCGTCACTGCTGCGGGGGGACCTGCGGGCCAGG-3'
Protein context (NP_000210.2, residues 39-59): DGKLEALYVL[Met49Ile]VLGFFGFFTL

ClinVar aggregate classification (germline): Uncertain significance (1 of 4 stars; one submission).

Conditions:
Long QT syndrome (LQTS). Identifiers: MedGen C0023976, MeSH D008133, MONDO:0002442. Disease mechanism: loss of function. Inheritance: Various modes of inheritance.

Allele frequency attached by ClinVar (database versions not stated): ExAC 0.00001.

Submissions (2):

Labcorp Genetics (formerly Invitae), Labcorp
Classification: Uncertain significance for Long QT syndrome. Last evaluated: 2024-01-15. Review status: criteria provided, single submitter. Criteria: Invitae Variant Classification Sherloc (09022015). Collection method: clinical testing. Allele origin: germline.
Comment: This sequence change replaces methionine, which is neutral and non-polar, with isoleucine, which is neutral and non-polar, at codon 49 of the KCNE1 protein (p.Met49Ile). This variant is present in population databases (rs773365460, gnomAD 0.0009%). This missense change has been observed in individual(s) with KCNE1-related conditions (PMID: 23631430). Algorithms developed to predict the effect of missense changes on protein structure and function output the following: SIFT: "Not Available"; PolyPhen-2: "Benign"; Align-GVGD: "Not Available". The isoleucine amino acid residue is found in multiple mammalian species, which suggests that this missense change does not adversely affect protein function. In summary, the available evidence is currently insufficient to determine the role of this variant in disease. Therefore, it has been classified as a Variant of Uncertain Significance.

Roden Lab, Vanderbilt University Medical Center
No classification provided (evidence only). Condition: Long QT syndrome 5. Review status: no classification provided. Collection method: in vitro. Allele origin: not applicable. Functional consequence: Effect on ion channel function. Not counted in ClinVar's aggregate classification.
ClinVar note: "not provided" was previously submitted as the classification for the variant. However, the classification appeared to be based only on an observation of functional data so it was converted to no classification on 2025-07-30.

Literature cited by the submitters: PubMed 23631430 (cited by Labcorp Genetics (formerly Invitae), Labcorp).